The following is an entry in ClinVar:

NM_000824.5(GLRB):c.1399C>T (p.Pro467Ser)

Gene: GLRB (glycine receptor beta; plus strand). Cytogenetic location: 4q32.1.
Variant type: single nucleotide variant.
Coding change: c.1399C>T on transcript NM_000824.5 (MANE Select); coding-DNA position 1399, C replaced by T.
Protein change: p.Pro467Ser; replaces proline 467 with serine.
Molecular consequence: missense variant. On other transcripts: 3 prime UTR variant (1).
Genome position (GRCh38, 1-based): chr4:157,170,633, C>T. VCF-style: chr4-157170633-C-T. GRCh37 (hg19) VCF-style: chr4-158091785-C-T.
Other names: c.1399C>T, p.Pro467Ser (NM_001166060.2); c.*194C>T (NM_001166061.2); short protein forms P467S.
Identifiers: ClinVar variation 1440183 (VCV001440183.6), dbSNP rs1312932259, ClinGen allele CA358645307.
Genomic context (GRCh38, chr4:157,170,633, plus strand): 5'-GGACTTGGGAAATCTCAGGCTAAGAACAACAAGAAGCCTCCCCCTGCGAAACCTGTTATT[C>T]CAACAGCAGCAAAGCGAATTGATCTTTATGCAAGAGCATTGTTTCCTTTCTGCTTCTTGT-3'
Protein context (NP_000815.1, residues 457-477): KKPPPAKPVI[Pro467Ser]TAAKRIDLYA

ClinVar aggregate classification (germline): Uncertain significance (1 of 4 stars; one submission).

Conditions:
Hyperekplexia 2 (HKPX2). Identifiers: Orphanet 3197, MedGen C3553291, MONDO:0013828, OMIM 614619.

Allele frequency attached by ClinVar (database versions not stated): gnomAD exomes below 0.00001; TOPMed below 0.00001.
gnomAD v4.1: 1 of 1,611,876 alleles (0.000062%); highest among the groups gnomAD compares: Non-Finnish European, 0.000085%; no homozygotes.

Submission:

Labcorp Genetics (formerly Invitae), Labcorp
Classification: Uncertain significance for Hyperekplexia 2. Last evaluated: 2023-06-29. Review status: criteria provided, single submitter. Criteria: Invitae Variant Classification Sherloc (09022015). Collection method: clinical testing. Allele origin: germline.
Comment: This sequence change replaces proline, which is neutral and non-polar, with serine, which is neutral and polar, at codon 467 of the GLRB protein (p.Pro467Ser). This variant is not present in population databases (gnomAD no frequency). In summary, the available evidence is currently insufficient to determine the role of this variant in disease. Therefore, it has been classified as a Variant of Uncertain Significance. Advanced modeling of protein sequence and biophysical properties (such as structural, functional, and spatial information, amino acid conservation, physicochemical variation, residue mobility, and thermodynamic stability) performed at Invitae indicates that this missense variant is not expected to disrupt GLRB protein function. ClinVar contains an entry for this variant (Variation ID: 1440183). This variant has not been reported in the literature in individuals affected with GLRB-related conditions.